The following is an entry in ClinVar:

ClinVar aggregate classification (germline): Uncertain significance (1 of 4 stars; one submission).

Allele frequency attached by ClinVar (database versions not stated): TOPMed below 0.00001; gnomAD 0.00001; gnomAD exomes 0.00001.
gnomAD v4.1: 18 of 1,613,672 alleles (0.0011%); highest among the groups gnomAD compares: East Asian, 0.0022%; no homozygotes.

Submission:

Ambry Genetics
Classification: Uncertain significance. Last evaluated: 2022-09-11. Review status: criteria provided, single submitter. Criteria: Ambry Variant Classification Scheme 2023. Collection method: clinical testing. Allele origin: germline.
Comment: The p.S1013L variant (also known as c.3038C>T), located in coding exon 16 of the NPAT gene, results from a C to T substitution at nucleotide position 3038. The serine at codon 1013 is replaced by leucine, an amino acid with dissimilar properties. This amino acid position is conserved. In addition, this alteration is predicted to be tolerated by in silico analysis. Since supporting evidence is limited at this time, the clinical significance of this alteration remains unclear.

NM_002519.3(NPAT):c.3038C>T (p.Ser1013Leu)

Gene: NPAT (nuclear protein, coactivator of histone transcription; minus strand). Cytogenetic location: 11q22.3.
Variant type: single nucleotide variant.
Coding change: c.3038C>T on transcript NM_002519.3 (MANE Select); coding-DNA position 3038, C replaced by T.
Protein change: p.Ser1013Leu; replaces serine 1013 with leucine.
Molecular consequence: missense variant.
Genome position (GRCh38, 1-based): chr11:108,162,153, G>A on the plus strand (C>T on the coding strand, the complement: NPAT is on the minus strand). VCF-style: chr11-108162153-G-A. GRCh37 (hg19) VCF-style: chr11-108032880-G-A.
Other names: c.3038C>T, p.Ser1013Leu (NM_001321307.1); short protein forms S1013L.
Identifiers: ClinVar variation 1799104 (VCV001799104.2), dbSNP rs1390470946, ClinGen allele CA382511668.